The following is an entry in ClinVar:

ClinVar aggregate classification (germline): Pathogenic/Likely pathogenic. Review status: criteria provided, multiple submitters, no conflicts (2 of 4 stars). 3 submissions from 3 submitters: Pathogenic (1); Likely pathogenic (2). Last evaluated 2024-02-14.

Conditions:
Joubert syndrome 3 (JBTS3). Also called: AHI1-related Ciliopathy. Identifiers: Orphanet 220493, MedGen C1837713, MONDO:0012078, OMIM 608629.

Submissions (3):

Fulgent Genetics
Classification: Likely pathogenic for Joubert syndrome 3. Last evaluated: 2024-02-14. Review status: criteria provided, single submitter. Criteria: ACMG Guidelines, 2015. Collection method: clinical testing. Allele origin: germline.

GeneDx
Classification: Pathogenic. Last evaluated: 2015-03-14. Review status: criteria provided, single submitter. Criteria: GeneDx Variant Classification (06012015). Collection method: clinical testing. Allele origin: germline. Affected: yes.
Comment: The c.2493-2 A>G splice site variant in the AHI1 gene destroys the canonical splice acceptor site in intron 17. It is predicted to cause abnormal gene splicing, either leading to an abnormal message that is subject to nonsense-mediated mRNA decay, or to an abnormal protein product if the message is used for protein translation. Although this variant has not been previously reported to our knowledge, it is expected to be a pathogenic mutation.

Juno Genomics, Hangzhou Juno Genomics, Inc
Classification: Likely pathogenic for Joubert syndrome 3. Review status: criteria provided, single submitter. Criteria: ACMG Guidelines, 2015. Collection method: clinical testing. Allele origin: germline.
Comment: Null variant in a gene where loss of function (LOF) is a known mechanism of disease.;Absent from controls (or at extremely low frequency if recessive) in Genome Aggregation Database.

NM_001134831.2(AHI1):c.2493-2A>G

Gene: AHI1 (Abelson helper integration site 1; minus strand). Cytogenetic location: 6q23.3.
Variant type: single nucleotide variant.
Coding change: c.2493-2A>G on transcript NM_001134831.2 (MANE Select); the canonical splice acceptor site of the intron before coding-DNA position 2493, A replaced by G.
Molecular consequence: splice acceptor variant.
Genome position (GRCh38, 1-based): chr6:135,428,761, T>C on the plus strand (A>G on the coding strand, the complement: AHI1 is on the minus strand). VCF-style: chr6-135428761-T-C. GRCh37 (hg19) VCF-style: chr6-135749899-T-C.
Other names: c.2493-2A>G (NM_001134830.2, NM_001350503.2, NM_017651.5 and 2 more transcripts).
Identifiers: ClinVar variation 265309 (VCV000265309.5), dbSNP rs886039465, ClinGen allele CA10588410.
Genomic context (GRCh38, chr6:135,428,761, plus strand): 5'-AAGTACTATGAATCTTCTCCCGATAATTTGCTGCTCCTACAAACTTCCTTGCTACTAATC[T>C]ACAAGCAAAAAAGATTTTACAAATGTAACTGTCTTAATCATGTAAATGACTGGTGGTATA-3'